The following is an entry in ClinVar:

ClinVar aggregate classification (germline): Conflicting classifications of pathogenicity. Review status: criteria provided, conflicting classifications (1 of 4 stars). 12 submissions from 12 submitters: Pathogenic (1); Likely pathogenic (4); Uncertain significance (5). 2 of the submissions do not count toward it. Last evaluated 2026-07-30.

Conditions:
Autosomal dominant Alport syndrome (ATS3A). Also called: Alport syndrome dominant type; Renal failure and sensorineural hearing loss; ALPORT SYNDROME 3A, AUTOSOMAL DOMINANT. Identifiers: Orphanet 63, Orphanet 88918, MedGen C5882663, MONDO:0007086, OMIM 104200.
Alport syndrome 3b, autosomal recessive. Identifiers: MedGen C5882699, MONDO:0957811, OMIM 620536.
Hematuria, benign familial, 2 (BFH2). Identifiers: MedGen C5830421, MONDO:0958186, OMIM 620320.
COL4A3-related disorder. Also called: COL4A3-Related Disorders; COL4A3-related condition.
Alport syndrome. Also called: Hemorrhagic familial nephritis; Hemorrhagic hereditary nephritis; Congenital hereditary hematuria. Identifiers: Orphanet 63, MedGen C1567741, MONDO:0018965.
Osteogenesis imperfecta (OI). Identifiers: Orphanet 666, MedGen C0029434, MeSH D010013, MONDO:0019019.

Allele frequency attached by ClinVar (database versions not stated): ESP Exome Variant Server 0.00008; TOPMed 0.00020; 1000 Genomes Project 30x 0.00031; 1000 Genomes Project 0.00040.
gnomAD v4.1: 73 of 1,614,162 alleles (0.0045%); highest among the groups gnomAD compares: African/African-American, 0.036%; no homozygotes.

Submissions (12):

GeneDx
Classification: Likely pathogenic. Last evaluated: 2026-07-30. Review status: criteria provided, single submitter. Criteria: GeneDx Variant Classification Process June 2021. Collection method: clinical testing. Allele origin: germline.
Comment: In silico analysis suggests that this missense variant does not alter protein structure/function; This variant is associated with the following publications: (PMID: 31328266, 28780565, 30883042, 30076350, Liu2019[paper], 30881523, 37217505, 29742505, 35386907, 38262496, 27281700, 41908531, 42254847)

Myriad Genetics, Inc.
Classification: Likely pathogenic for Alport syndrome. Last evaluated: 2026-04-30. Review status: criteria provided, single submitter. Criteria: Myriad Autosomal Dominant, Autosomal Recessive and X-Linked Classification Criteria (2023). Collection method: clinical testing. Allele origin: unknown.
Comment: NM_000091.4(COL4A3):c.4664C>T(A1555V) is a missense variant classified as likely pathogenic in the context of Alport syndrome, COL4A3-related. A1555V has been observed in cases with relevant disease (PMID: 31328266, 35386907, 37217505). Relevant functional assessments of this variant are not available in the literature. A1555V has been observed in referenced population frequency databases. In summary, NM_000091.4(COL4A3):c.4664C>T(A1555V) is a missense variant that has been observed more frequently in cases with the relevant disease than in healthy populations. Please note: this variant was assessed in the context of healthy population screening.

PreventionGenetics, part of Exact Sciences
Classification: Uncertain significance for COL4A3-related condition. Last evaluated: 2026-04-10. Review status: criteria provided, single submitter. Criteria: ACMG Guidelines, 2015. Collection method: clinical testing. Allele origin: germline.
Comment: The COL4A3 c.4664C>T variant is predicted to result in the amino acid substitution p.Ala1555Val. This variant has been reported, with another variant(s) in COL4A3 in some cases, in individuals with COL4A3-related disorders (Table S3, Sen et al. 2017. PubMed ID: 28780565; Table S3, Rao et al. 2019. PubMed ID: 31328266; Table S2, Kaymiyoshi et al. 2016. PubMed IDF: 27281700; Li et al. 2018. PubMed ID: 29742505; Deng et al. 2022. PubMed ID: 35386907; Table S1, Liu et al. 2023. PubMed ID: 37217505). Of note, in a study of a large family with benign familial hematuria, the segregation analysis demonstrated this variant was inherited from the unaffected father; and the proband also has a heterozygous likely pathogenic variant c.3418+1G>T in COL4A3, which is likely the primary cause of benign familial hematuria (Li et al. 2018. PubMed ID: 29742505). The c.4664C>T (p.Ala1555Val) variant is reported in 0.041% of alleles in individuals of East Asian descent in gnomAD. At this time, the clinical significance of this variant is uncertain due to the absence of conclusive functional and genetic evidence.

Natera, Inc.
Classification: Likely pathogenic for Alport syndrome. Last evaluated: 2025-12-31. Review status: criteria provided, single submitter. Criteria: Natera Variant Classification Schema (03/2026). Collection method: clinical testing. Allele origin: germline.
Comment: The c.4664C>T variant in COL4A3 is a missense variant predicted to cause substitution of alanine to valine at amino acid 1555. This variant is rare in the general population with a frequency below the threshold expected for the associated phenotype(s). This variant has been observed in one or more individuals affected with the associated recessive disease, as either homozygous or compound heterozygous with a second variant (PMID: 35386907). This variant has been observed in affected individual(s) with monoallelic occurrence (heterozygous/hemizygous) (PMID: 37217505, 31328266). Computational prediction algorithms indicate this variant is likely to affect gene or protein function. Given the available evidence, this variant is classified as Likely Pathogenic.

Dasa
Classification: Likely pathogenic. Last evaluated: 2025-10-30. Review status: criteria provided, single submitter. Criteria: DASA Assertion Criteria. Collection method: clinical testing. Allele origin: germline.
Comment: NM_000091.5(COL4A3):c.4664C>T (p.Ala1555Val) is a missense variant that results in the substitution of alanine with valine. Segregation data support an association with disease in the reported family/families (PMID: 37217505; PMID: 35386907; PMID: 29742505). This variant has been recurrently observed in individuals with COL4A3-related disorders (PMID: 37217505; PMID: 35386907; PMID: 29742505). Also, this variant is rare in population databases. Based on the currently available evidence, this variant is classified as likely pathogenic.

Labcorp Genetics (formerly Invitae), Labcorp
Classification: Pathogenic. Last evaluated: 2025-03-29. Review status: criteria provided, single submitter. Criteria: Invitae Variant Classification Sherloc (09022015). Collection method: clinical testing. Allele origin: germline.
Comment: This sequence change replaces alanine, which is neutral and non-polar, with valine, which is neutral and non-polar, at codon 1555 of the COL4A3 protein (p.Ala1555Val). This variant is present in population databases (rs369575989, gnomAD 0.04%). This missense change has been observed in individual(s) with clinical features of Alport syndrome (PMID: 27281700, 28780565, 29742505, 30076350, 30883042, 31328266, 35386907). In at least one individual the data is consistent with being in trans (on the opposite chromosome) from a pathogenic variant. ClinVar contains an entry for this variant (Variation ID: 1044092). Invitae Evidence Modeling of protein sequence and biophysical properties (such as structural, functional, and spatial information, amino acid conservation, physicochemical variation, residue mobility, and thermodynamic stability) indicates that this missense variant is expected to disrupt COL4A3 protein function with a positive predictive value of 80%. For these reasons, this variant has been classified as Pathogenic.

Johns Hopkins Genomics, Johns Hopkins University
Classification: Uncertain significance for Osteogenesis imperfecta. Last evaluated: 2025-03-13. Review status: criteria provided, single submitter. Criteria: ACMG Guidelines, 2015. Collection method: clinical testing. Allele origin: germline.
Comment: This COL4A3 variant (rs369575989) is rare (<0.1%) in a large population dataset (gnomAD: 14/280904 total alleles, MAF 0.005%, no homozygotes) and has been reported in ClinVar. This missense change has been observed in unrelated individuals with clinical features of Alport syndrome. In at least one individual the data is consistent with being in trans (on the opposite chromosome) from a pathogenic variant. Of two bioinformatics tools queried, one predicts that the substitution would be damaging, while another predicts that it would be tolerated. The alanine residue at this position is moderately conserved across the species assessed, but at least one species has a valine at this position. Bioinformatic analysis predicts that this missense variant would not affect normal exon 50 splicing, although this has not been confirmed experimentally to our knowledge. We consider the clinical significance of COL4A3 c.4664C>T to be uncertain at this time.

Blueprint Genetics
Classification: Uncertain significance. Last evaluated: 2024-09-12. Review status: criteria provided, single submitter. Criteria: ACMG Guidelines, 2015. Collection method: clinical testing. Allele origin: germline.

Fulgent Genetics
Classification: Uncertain significance for Autosomal dominant Alport syndrome; Hematuria, benign familial, 2; Alport syndrome 3b, autosomal recessive. Last evaluated: 2024-06-19. Review status: criteria provided, single submitter. Criteria: ACMG Guidelines, 2015. Collection method: clinical testing. Allele origin: germline.

Department of Nephrology, Rheumatology and Immunology, Shanghai Children's Hospital
Classification: Uncertain significance for Autosomal dominant Alport syndrome. Last evaluated: 2021-07-24. Review status: criteria provided, single submitter. Criteria: ACMG Guidelines, 2015. Collection method: clinical testing. Allele origin: de novo. Affected: yes. Observed: 1 variant allele.
Comment: The NM_000091.5(COL4A3):c.4664C>T (p.Ala1555Val) is a missense variant in COL4A3. This variant is reported to have an extremely low frequency in the gnomAD v3.1.2 (GRCh38) population database (PM2). While the variant is reported as a de novo occurrence, formal parental identity testing (e.g., via STR or SNP analysis) was not performed to satisfy the stringent requirements for PS2 or PM6 criteria (internal data). Computational tools, including SIFT and PolyPhen, predict this variant to have a deleterious effect on the protein product (PP3). In summary, this variant meets criteria to be classified as Uncertain Significance for Alport syndrome based on the ACMG/AMP 2015 criteria applied: PM2, PP3, PP4.

Clinical Genetics DNA and cytogenetics Diagnostics Lab, Erasmus MC, Erasmus Medical Center
Classification: Uncertain significance. Review status: no assertion criteria provided. Collection method: clinical testing. Allele origin: germline. Affected: yes. Study: VKGL Data-share Consensus. Not counted in ClinVar's aggregate classification.

Joint Genome Diagnostic Labs from Nijmegen and Maastricht, Radboudumc and MUMC+
Classification: Uncertain significance. Review status: no assertion criteria provided. Collection method: clinical testing. Allele origin: germline. Affected: yes. Study: VKGL Data-share Consensus. Not counted in ClinVar's aggregate classification.

Literature cited by the submitters: PubMed 31328266 (cited by 3 submitters); PubMed 35386907 (cited by 5 submitters); PubMed 37217505 (cited by 3 submitters); PubMed 29742505 (cited by 3 submitters); PubMed 27281700 (cited by Labcorp Genetics (formerly Invitae), Labcorp); PubMed 28780565 (cited by Labcorp Genetics (formerly Invitae), Labcorp); PubMed 30076350 (cited by Labcorp Genetics (formerly Invitae), Labcorp); PubMed 30883042 (cited by Labcorp Genetics (formerly Invitae), Labcorp and Johns Hopkins Genomics, Johns Hopkins University); PubMed 30881523 (cited by Johns Hopkins Genomics, Johns Hopkins University).

NM_000091.5(COL4A3):c.4664C>T (p.Ala1555Val)

Genes: COL4A3 (collagen type IV alpha 3 chain; plus strand), MFF-DT (MFF divergent transcript; minus strand). Cytogenetic location: 2q36.3.
Variant type: single nucleotide variant.
Coding change: c.4664C>T on transcript NM_000091.5 (MANE Select); coding-DNA position 4664, C replaced by T.
Protein change: p.Ala1555Val; replaces alanine 1555 with valine.
Molecular consequence: missense variant.
Genome position (GRCh38, 1-based): chr2:227,309,227, C>T. VCF-style: chr2-227309227-C-T. GRCh37 (hg19) VCF-style: chr2-228173943-C-T.
Other names: c.4664C>T (NM_000091.4); short protein forms A1555V.
Identifiers: ClinVar variation 1044092 (VCV001044092.20), dbSNP rs369575989, ClinGen allele CA2147603.